The following is an entry in ClinVar:

ClinVar aggregate classification (germline): Conflicting classifications of pathogenicity. Review status: criteria provided, conflicting classifications (1 of 4 stars). 5 submissions from 5 submitters: Uncertain significance (4); Likely benign (1). Last evaluated 2026-01-05.

Conditions:
Inborn genetic diseases. Identifiers: MedGen C0950123, MeSH D030342.
TIMM50-related disorder. Also called: TIMM50-related condition.

Allele frequency attached by ClinVar (database versions not stated): 1000 Genomes Project 0.00060; 1000 Genomes Project 30x 0.00062; TOPMed 0.00010.
gnomAD v4.1: 28 of 1,613,662 alleles (0.0017%); highest among the groups gnomAD compares: Admixed American, 0.035%; no homozygotes.

Submissions (5):

Labcorp Genetics (formerly Invitae), Labcorp
Classification: Uncertain significance. Last evaluated: 2026-01-05. Review status: criteria provided, single submitter. Criteria: Invitae Variant Classification Sherloc (09022015). Collection method: clinical testing. Allele origin: germline.
Comment: This sequence change replaces alanine, which is neutral and non-polar, with glutamic acid, which is acidic and polar, at codon 412 of the TIMM50 protein (p.Ala412Glu). This variant is present in population databases (rs11545196, gnomAD 0.009%). This variant has not been reported in the literature in individuals affected with TIMM50-related conditions. ClinVar contains an entry for this variant (Variation ID: 999398). An algorithm developed to predict the effect of missense changes on protein structure and function outputs the following: PolyPhen-2: "Benign". The glutamic acid amino acid residue is found in multiple mammalian species, which suggests that this missense change does not adversely affect protein function. In summary, the available evidence is currently insufficient to determine the role of this variant in disease. Therefore, it has been classified as a Variant of Uncertain Significance.

Ambry Genetics
Classification: Likely benign for Inborn genetic diseases. Last evaluated: 2023-11-06. Review status: criteria provided, single submitter. Criteria: Ambry Variant Classification Scheme 2023. Collection method: clinical testing. Allele origin: germline.

PreventionGenetics, part of Exact Sciences
Classification: Uncertain significance for TIMM50-related condition. Last evaluated: 2022-10-05. Review status: criteria provided, single submitter. Criteria: ACMG Guidelines, 2015. Collection method: clinical testing. Allele origin: germline.
Comment: The TIMM50 c.1235C>A variant is predicted to result in the amino acid substitution p.Ala412Glu. To our knowledge, this variant has not been reported in the literature. This variant is reported in 0.0087% of alleles in individuals of Latino descent in gnomAD. At this time, the clinical significance of this variant is uncertain due to the absence of conclusive functional and genetic evidence.

GeneDx
Classification: Uncertain significance. Last evaluated: 2022-05-20. Review status: criteria provided, single submitter. Criteria: GeneDx Variant Classification Process June 2021. Collection method: clinical testing. Allele origin: germline. Affected: yes.
Comment: In silico analysis supports that this missense variant does not alter protein structure/function; Has not been previously published as pathogenic or benign to our knowledge

Breakthrough Genomics
Classification: Uncertain significance. Review status: criteria provided, single submitter. Criteria: ACMG Guidelines, 2015. Collection method: not provided. Allele origin: germline. Inheritance: Autosomal dominant inheritance. Affected: yes.

NM_001001563.5(TIMM50):c.926C>A (p.Ala309Glu)

Gene: TIMM50 (translocase of inner mitochondrial membrane 50; plus strand). Cytogenetic location: 19q13.2.
Variant type: single nucleotide variant.
Coding change: c.926C>A on transcript NM_001001563.5 (MANE Select); coding-DNA position 926, C replaced by A.
Protein change: p.Ala309Glu; replaces alanine 309 with glutamic acid.
Molecular consequence: missense variant.
Genome position (GRCh38, 1-based): chr19:39,488,611, C>A. VCF-style: chr19-39488611-C-A. GRCh37 (hg19) VCF-style: chr19-39979251-C-A.
Other names: c.587C>A, p.Ala196Glu (NM_001329559.2); c.1235C>A (NM_001001563.1); short protein forms A196E, A309E.
Identifiers: ClinVar variation 999398 (VCV000999398.7), dbSNP rs11545196, ClinGen allele CA9432015.